The following is an entry in ClinVar:

ClinVar aggregate classification (germline): Conflicting classifications of pathogenicity. Review status: criteria provided, conflicting classifications (1 of 4 stars). 3 submissions from 3 submitters: Uncertain significance (2); Likely benign (1). Last evaluated 2024-02-12.

Conditions:
Developmental and epileptic encephalopathy, 18 (DEE18). Also called: Early infantile epileptic encephalopathy 18. Identifiers: Orphanet 369894, MedGen C3809624, MONDO:0014201, OMIM 615476.
Inborn genetic diseases. Identifiers: MedGen C0950123, MeSH D030342.

Allele frequency attached by ClinVar (database versions not stated): gnomAD exomes 0.00001 and 0.00002; TOPMed 0.00001; ExAC 0.00002; ESP Exome Variant Server 0.00008.
gnomAD v4.1: 20 of 1,614,064 alleles (0.0012%); highest among the groups gnomAD compares: Non-Finnish European, 0.0017%; no homozygotes.

Submissions (3):

Labcorp Genetics (formerly Invitae), Labcorp
Classification: Likely benign. Last evaluated: 2024-02-12. Review status: criteria provided, single submitter. Criteria: Invitae Variant Classification Sherloc (09022015). Collection method: clinical testing. Allele origin: germline.

Genome-Nilou Lab
Classification: Uncertain significance for Developmental and epileptic encephalopathy, 18. Last evaluated: 2023-04-11. Review status: criteria provided, single submitter. Criteria: ACMG Guidelines, 2015. Collection method: clinical testing. Allele origin: germline. Affected: no.

Ambry Genetics
Classification: Uncertain significance for Inborn genetic diseases. Last evaluated: 2022-05-03. Review status: criteria provided, single submitter. Criteria: Ambry Variant Classification Scheme 2023. Collection method: clinical testing. Allele origin: germline.
Comment: The c.8329-6C>A intronic alteration consists of a C to A substitution 6 nucleotides before exon 60 of the SZT2 gene. Based on insufficient or conflicting evidence, the clinical significance of this alteration remains unclear.

NM_001365999.1(SZT2):c.8500-6C>A

Gene: SZT2 (SZT2 subunit of KICSTOR complex; plus strand). Cytogenetic location: 1p34.2.
Variant type: single nucleotide variant.
Coding change: c.8500-6C>A on transcript NM_001365999.1 (MANE Select); 6 bases into the intron before coding-DNA position 8500, C replaced by A.
Molecular consequence: intron variant.
Genome position (GRCh38, 1-based): chr1:43,443,346, C>A. VCF-style: chr1-43443346-C-A. GRCh37 (hg19) VCF-style: chr1-43909017-C-A.
Other names: c.8329-6C>A (NM_015284.4, NM_015284.3).
Identifiers: ClinVar variation 1003431 (VCV001003431.12), dbSNP rs376269256, ClinGen allele CA810585.